The following is an entry in ClinVar:

NM_001267550.2(TTN):c.82411G>A (p.Gly27471Ser)

Genes: TTN (titin; minus strand), TTN-AS1 (TTN antisense RNA 1; plus strand). Cytogenetic location: 2q31.2.
Variant type: single nucleotide variant.
Coding change: c.82411G>A on transcript NM_001267550.2 (MANE Select); coding-DNA position 82411, G replaced by A.
Protein change: p.Gly27471Ser; replaces glycine 27471 with serine.
Molecular consequence: missense variant.
Genome position (GRCh38, 1-based): chr2:178,563,721, C>T on the plus strand (G>A on the coding strand, the complement: TTN is on the minus strand). VCF-style: chr2-178563721-C-T. GRCh37 (hg19) VCF-style: chr2-179428448-C-T.
Other names: c.77488G>A, p.Gly25830Ser (NM_001256850.1); c.55216G>A, p.Gly18406Ser (NM_003319.4); c.74707G>A, p.Gly24903Ser (NM_133378.4); c.55591G>A, p.Gly18531Ser (NM_133432.3); c.55792G>A, p.Gly18598Ser (NM_133437.4); short protein forms G18406S, G18531S, G18598S, G24903S, G25830S, G27471S.
Identifiers: ClinVar variation 2437658 (VCV002437658.4), dbSNP rs757130634, ClinGen allele CA60987052.
Genomic context (GRCh38, chr2:178,563,721, plus strand): 5'-CCCATGTTACTACCATAGAATCTTTGGTGATTGCTGAGACTTCAGGTGTTGAGGGAGGAC[C>T]TGGTGGCTTATAAGGATTACAGGCCGTAACAGGCCCAGATTCCAAGGGCTCTCCAATTCC-3'
Protein context (NP_001254479.2, residues 27461-27481): VTACNPYKPP[Gly27471Ser]PPSTPEVSAI

ClinVar aggregate classification (germline): Uncertain significance. Review status: criteria provided, multiple submitters, no conflicts (2 of 4 stars). 2 submissions from 2 submitters: Uncertain significance (2). Last evaluated 2026-03-27.

Conditions:
TTN-related disorder. Also called: TTN-related condition; TTN-related disease; TTN-related disorders.

Allele frequency attached by ClinVar (database versions not stated): TOPMed 0.00001.
gnomAD v4.1: 12 of 1,613,732 alleles (0.00074%); highest among the groups gnomAD compares: African/African-American, 0.0013%; no homozygotes.

Submissions (2):

PreventionGenetics, part of Exact Sciences
Classification: Uncertain significance for TTN-related condition. Last evaluated: 2026-03-27. Review status: criteria provided, single submitter. Criteria: ACMG Guidelines, 2015. Collection method: clinical testing. Allele origin: germline.
Comment: The TTN c.82411G>A variant is predicted to result in the amino acid substitution p.Gly27471Ser. This variant has been reported with an additional TTN missense variant in an individual with atrial fibrillation (Supplementary File 1, Pavel et al. 2026. PubMed ID: 41569083). It has not been reported in large population databases, indicating that it is rare. At this time, the clinical significance of this variant is uncertain due to the absence of conclusive functional and genetic evidence.

Revvity Omics, Revvity
Classification: Uncertain significance. Last evaluated: 2019-11-11. Review status: criteria provided, single submitter. Criteria: ACMG Guidelines, 2015. Collection method: clinical testing. Allele origin: germline.